The following is an entry in ClinVar:

NM_001276270.2(MBD4):c.572C>A (p.Pro191Gln)

Gene: MBD4 (methyl-CpG binding domain 4, DNA glycosylase; minus strand). Cytogenetic location: 3q21.3.
Variant type: single nucleotide variant.
Coding change: c.572C>A on transcript NM_001276270.2 (MANE Select); coding-DNA position 572, C replaced by A.
Protein change: p.Pro191Gln; replaces proline 191 with glutamine.
Molecular consequence: missense variant. On other transcripts: intron variant (1).
Genome position (GRCh38, 1-based): chr3:129,437,072, G>T on the plus strand (C>A on the coding strand, the complement: MBD4 is on the minus strand). VCF-style: chr3-129437072-G-T. GRCh37 (hg19) VCF-style: chr3-129155915-G-T.
Other names: c.572C>A, p.Pro191Gln (NM_001276271.2, NM_001276272.2, NM_003925.3); c.247+736C>A (NM_001276273.2); short protein forms P191Q.
Identifiers: ClinVar variation 5024054 (VCV005024054.1).

ClinVar aggregate classification (germline): Uncertain significance (1 of 4 stars; one submission).

Conditions:
Inborn genetic diseases. Identifiers: MedGen C0950123, MeSH D030342.

Submission:

Ambry Genetics
Classification: Uncertain significance for Inborn genetic diseases. Last evaluated: 2026-09-13. Review status: criteria provided, single submitter. Criteria: Ambry Variant Classification Scheme 2023. Collection method: clinical testing. Allele origin: germline.
Comment: The p.P191Q variant (also known as c.572C>A), located in coding exon 3 of the MBD4 gene, results from a C to A substitution at nucleotide position 572. The proline at codon 191 is replaced by glutamine, an amino acid with similar properties. This amino acid position is conserved. In addition, this alteration is predicted to be tolerated by in silico analysis. Based on the available evidence, the clinical significance of this variant remains unclear.